The following is an entry in ClinVar:

ClinVar aggregate classification (germline): Uncertain significance (1 of 4 stars; one submission).

Submission:

Labcorp Genetics (formerly Invitae), Labcorp
Classification: Uncertain significance. Last evaluated: 2023-07-16. Review status: criteria provided, single submitter. Criteria: Invitae Variant Classification Sherloc (09022015). Collection method: clinical testing. Allele origin: germline.
Comment: Advanced modeling of protein sequence and biophysical properties (such as structural, functional, and spatial information, amino acid conservation, physicochemical variation, residue mobility, and thermodynamic stability) performed at Invitae indicates that this missense variant is expected to disrupt BGN protein function. This variant has not been reported in the literature in individuals affected with BGN-related conditions. This variant is not present in population databases (gnomAD no frequency). This sequence change replaces asparagine, which is neutral and polar, with lysine, which is basic and polar, at codon 287 of the BGN protein (p.Asn287Lys). In summary, the available evidence is currently insufficient to determine the role of this variant in disease. Therefore, it has been classified as a Variant of Uncertain Significance.

NM_001711.6(BGN):c.861C>G (p.Asn287Lys)

Gene: BGN (biglycan; plus strand). Cytogenetic location: Xq28.
Variant type: single nucleotide variant.
Coding change: c.861C>G on transcript NM_001711.6 (MANE Select); coding-DNA position 861, C replaced by G.
Protein change: p.Asn287Lys; replaces asparagine 287 with lysine.
Molecular consequence: missense variant.
Genome position (GRCh38, 1-based): chrX:153,507,137, C>G. VCF-style: chrX-153507137-C-G. GRCh37 (hg19) VCF-style: chrX-152772595-C-G.
Other names: short protein forms N287K.
Identifiers: ClinVar variation 2743533 (VCV002743533.3), dbSNP rs2521221568, ClinGen allele CA415071503.